The following is an entry in ClinVar:

ClinVar aggregate classification (germline): Uncertain significance. Review status: criteria provided, multiple submitters, no conflicts (2 of 4 stars). 2 submissions from 2 submitters: Uncertain significance (2). Last evaluated 2025-12-02.

Conditions:
Cardiovascular phenotype. Identifiers: MedGen CN230736.
Cholestanol storage disease (CTX). Also called: CEREBRAL CHOLESTERINOSIS; Cerebrotendinous Xanthomatosis; CTX: Cerebrotendinous xanthomatosis. Identifiers: Orphanet 909, MedGen C0238052, MONDO:0008948, OMIM 213700.

Allele frequency attached by ClinVar (database versions not stated): gnomAD exomes below 0.00001; TOPMed below 0.00001.
gnomAD v4.1: 2 of 1,614,238 alleles (0.00012%); highest among the groups gnomAD compares: Non-Finnish European, 0.00017%; no homozygotes.

Submissions (2):

Ambry Genetics
Classification: Uncertain significance for Cardiovascular phenotype. Last evaluated: 2025-12-02. Review status: criteria provided, single submitter. Criteria: Ambry Variant Classification Scheme 2023. Collection method: clinical testing. Allele origin: germline.

Labcorp Genetics (formerly Invitae), Labcorp
Classification: Uncertain significance for Cholestanol storage disease. Last evaluated: 2022-08-17. Review status: criteria provided, single submitter. Criteria: Invitae Variant Classification Sherloc (09022015). Collection method: clinical testing. Allele origin: germline.
Comment: This sequence change replaces glutamine, which is neutral and polar, with arginine, which is basic and polar, at codon 530 of the CYP27A1 protein (p.Gln530Arg). This variant is present in population databases (no rsID available, gnomAD 0.0009%). This variant has not been reported in the literature in individuals affected with CYP27A1-related conditions. ClinVar contains an entry for this variant (Variation ID: 1377836). Advanced modeling of protein sequence and biophysical properties (such as structural, functional, and spatial information, amino acid conservation, physicochemical variation, residue mobility, and thermodynamic stability) performed at Invitae indicates that this missense variant is not expected to disrupt CYP27A1 protein function. In summary, the available evidence is currently insufficient to determine the role of this variant in disease. Therefore, it has been classified as a Variant of Uncertain Significance.

NM_000784.4(CYP27A1):c.1589A>G (p.Gln530Arg)

Gene: CYP27A1 (cytochrome P450 family 27 subfamily A member 1; plus strand). Cytogenetic location: 2q35.
Variant type: single nucleotide variant.
Coding change: c.1589A>G on transcript NM_000784.4 (MANE Select); coding-DNA position 1589, A replaced by G.
Protein change: p.Gln530Arg; replaces glutamine 530 with arginine.
Molecular consequence: missense variant.
Genome position (GRCh38, 1-based): chr2:218,815,023, A>G. VCF-style: chr2-218815023-A-G. GRCh37 (hg19) VCF-style: chr2-219679746-A-G.
Other names: c.1589A>G (NM_000784.3); short protein forms Q530R.
Identifiers: ClinVar variation 1377836 (VCV001377836.5), dbSNP rs911127639, ClinGen allele CA65835979.
Genomic context (GRCh38, chr2:218,815,023, plus strand): 5'-GTGTGGCCCGCATTGTCCTGGTTCCCAATAAGAAAGTGGGCCTGCAGTTCCTGCAGAGAC[A>G]GTGCTGAGCTGAGTCTCCGCCTTGCTGGGGCTTGTCCTAGAGGCTCCAGCTCTGGCACAG-3'
Protein context (NP_000775.1, residues 520-531): KKVGLQFLQR[Gln530Arg]C